The following is an entry in ClinVar:

ClinVar aggregate classification (germline): Uncertain significance (1 of 4 stars; one submission).

Allele frequency attached by ClinVar (database versions not stated): gnomAD exomes below 0.00001.

Submission:

Labcorp Genetics (formerly Invitae), Labcorp
Classification: Uncertain significance. Last evaluated: 2022-01-06. Review status: criteria provided, single submitter. Criteria: Invitae Variant Classification Sherloc (09022015). Collection method: clinical testing. Allele origin: germline.
Comment: In summary, the available evidence is currently insufficient to determine the role of this variant in disease. Therefore, it has been classified as a Variant of Uncertain Significance. Algorithms developed to predict the effect of missense changes on protein structure and function are either unavailable or do not agree on the potential impact of this missense change (SIFT: "Deleterious"; PolyPhen-2: "Benign"; Align-GVGD: "Class C0"). This variant has not been reported in the literature in individuals affected with ERCC2-related conditions. This variant is not present in population databases (gnomAD no frequency). This sequence change replaces proline, which is neutral and non-polar, with alanine, which is neutral and non-polar, at codon 119 of the ERCC2 protein (p.Pro119Ala).

NM_000400.4(ERCC2):c.355C>G (p.Pro119Ala)

Gene: ERCC2 (ERCC excision repair 2, TFIIH core complex helicase subunit; minus strand). Cytogenetic location: 19q13.32.
Variant type: single nucleotide variant.
Coding change: c.355C>G on transcript NM_000400.4 (MANE Select); coding-DNA position 355, C replaced by G.
Protein change: p.Pro119Ala; replaces proline 119 with alanine.
Molecular consequence: missense variant.
Genome position (GRCh38, 1-based): chr19:45,368,635, G>C on the plus strand (C>G on the coding strand, the complement: ERCC2 is on the minus strand). VCF-style: chr19-45368635-G-C. GRCh37 (hg19) VCF-style: chr19-45871893-G-C.
Other names: c.283C>G, p.Pro95Ala (NM_001130867.2); short protein forms P119A, P95A.
Identifiers: ClinVar variation 1476130 (VCV001476130.8), dbSNP rs2123312739, ClinGen allele CA406377933.